The following is an entry in ClinVar:

ClinVar aggregate classification (germline): Uncertain significance (1 of 4 stars; one submission).

Conditions:
Mucopolysaccharidosis, MPS-III-A (MPS3A). Also called: HEPARAN SULFATE SULFATASE DEFICIENCY; SANFILIPPO SYNDROME A; SULFAMIDASE DEFICIENCY; MPS III A; Mucopolysaccharidosis type IIIA (Sanfilippo A); Mucopolysaccharidosis, type IIIA. Identifiers: Orphanet 581, Orphanet 79269, MedGen C0086647, MONDO:0009655, OMIM 252900.

gnomAD v4.1: 1 of 1,612,232 alleles (0.000062%); highest among the groups gnomAD compares: African/African-American, 0.0013%; no homozygotes.

Submission:

Labcorp Genetics (formerly Invitae), Labcorp
Classification: Uncertain significance for Mucopolysaccharidosis, MPS-III-A. Last evaluated: 2022-05-09. Review status: criteria provided, single submitter. Criteria: Invitae Variant Classification Sherloc (09022015). Collection method: clinical testing. Allele origin: germline.
Comment: In summary, the available evidence is currently insufficient to determine the role of this variant in disease. Therefore, it has been classified as a Variant of Uncertain Significance. Algorithms developed to predict the effect of missense changes on protein structure and function are either unavailable or do not agree on the potential impact of this missense change (SIFT: "Deleterious"; PolyPhen-2: "Probably Damaging"; Align-GVGD: "Class C15"). This variant has not been reported in the literature in individuals affected with SGSH-related conditions. This variant is not present in population databases (gnomAD no frequency). This sequence change replaces histidine, which is basic and polar, with glutamine, which is neutral and polar, at codon 96 of the SGSH protein (p.His96Gln).

NM_000199.5(SGSH):c.288C>A (p.His96Gln)

Gene: SGSH (N-sulfoglucosamine sulfohydrolase; minus strand). Cytogenetic location: 17q25.3.
Variant type: single nucleotide variant.
Coding change: c.288C>A on transcript NM_000199.5 (MANE Select); coding-DNA position 288, C replaced by A.
Protein change: p.His96Gln; replaces histidine 96 with glutamine.
Molecular consequence: missense variant.
Genome position (GRCh38, 1-based): chr17:80,215,100, G>T on the plus strand (C>A on the coding strand, the complement: SGSH is on the minus strand). VCF-style: chr17-80215100-G-T. GRCh37 (hg19) VCF-style: chr17-78188899-G-T.
Other names: c.288C>A, p.His96Gln (NM_001352921.3, NM_001352922.2); short protein forms H96Q.
Identifiers: ClinVar variation 1992433 (VCV001992433.4), dbSNP rs1284139181, ClinGen allele CA401363829.